The following is an entry in ClinVar:

ClinVar aggregate classification (germline): Uncertain significance. Review status: criteria provided, single submitter (1 of 4 stars). 2 submissions from 2 submitters: Uncertain significance (1). 1 of the submissions does not count toward it. Last evaluated 2024-06-02.

Conditions:
HNF1A-related disorder. Also called: HNF1A-related condition.

Allele frequency attached by ClinVar (database versions not stated): gnomAD exomes below 0.00001; ExAC 0.00001.
gnomAD v4.1: 2 of 1,614,046 alleles (0.00012%); highest among the groups gnomAD compares: Middle Eastern, 0.016%; no homozygotes.

Submissions (2):

Labcorp Genetics (formerly Invitae), Labcorp
Classification: Uncertain significance. Last evaluated: 2024-06-02. Review status: criteria provided, single submitter. Criteria: Invitae Variant Classification Sherloc (09022015). Collection method: clinical testing. Allele origin: germline.
Comment: This sequence change replaces asparagine, which is neutral and polar, with serine, which is neutral and polar, at codon 397 of the HNF1A protein (p.Asn397Ser). This variant is present in population databases (rs765239803, gnomAD 0.003%). This variant has not been reported in the literature in individuals affected with HNF1A-related conditions. ClinVar contains an entry for this variant (Variation ID: 1403276). Advanced modeling of protein sequence and biophysical properties (such as structural, functional, and spatial information, amino acid conservation, physicochemical variation, residue mobility, and thermodynamic stability) performed at Invitae indicates that this missense variant is not expected to disrupt HNF1A protein function with a negative predictive value of 95%. In summary, the available evidence is currently insufficient to determine the role of this variant in disease. Therefore, it has been classified as a Variant of Uncertain Significance.

PreventionGenetics, part of Exact Sciences
Classification: Uncertain significance for HNF1A-related condition. Last evaluated: 2024-04-12. Review status: no assertion criteria provided. Collection method: clinical testing. Allele origin: germline. Not counted in ClinVar's aggregate classification.
Comment: The HNF1A c.1190A>G variant is predicted to result in the amino acid substitution p.Asn397Ser. To our knowledge, this variant has not been reported in the literature. This variant is reported in 0.0033% of alleles in individuals of South Asian descent in gnomAD. At this time, the clinical significance of this variant is uncertain due to the absence of conclusive functional and genetic evidence.

NM_000545.8(HNF1A):c.1190A>G (p.Asn397Ser)

Gene: HNF1A (HNF1 homeobox A; plus strand). Cytogenetic location: 12q24.31.
Variant type: single nucleotide variant.
Coding change: c.1190A>G on transcript NM_000545.8 (MANE Select); coding-DNA position 1190, A replaced by G.
Protein change: p.Asn397Ser; replaces asparagine 397 with serine.
Molecular consequence: missense variant.
Genome position (GRCh38, 1-based): chr12:120,996,623, A>G. VCF-style: chr12-120996623-A-G. GRCh37 (hg19) VCF-style: chr12-121434426-A-G.
Other names: c.1190A>G (NM_000545.6); c.1190A>G, p.Asn397Ser (NM_001306179.2); short protein forms N397S.
Identifiers: ClinVar variation 1403276 (VCV001403276.9), dbSNP rs765239803, ClinGen allele CA6831966.
Genomic context (GRCh38, chr12:120,996,623, plus strand): 5'-TCCCCCCTGTCAGCACCCTGACAGCACTGCACAGCTTGGAGCAGACATCCCCAGGCCTCA[A>G]CCAGCAGCCCCAGAACCTCATCATGGCCTCACTTCCTGGGGTCATGACCATCGGGCCTGG-3'
Protein context (NP_000536.6, residues 387-407): HSLEQTSPGL[Asn397Ser]QQPQNLIMAS